The following is an entry in ClinVar:

ClinVar aggregate classification (germline): Benign (0 of 4 stars; one submission).

Conditions:
DNAH2-related disorder. Also called: DNAH2-related condition.

Allele frequency attached by ClinVar (database versions not stated): ESP Exome Variant Server 0.01076; gnomAD exomes 0.01749; TOPMed 0.01856; gnomAD 0.02153; ExAC 0.03414; 1000 Genomes Project 30x 0.04997; 1000 Genomes Project 0.05451.
gnomAD v4.1: 29,297 of 1,613,822 alleles (1.8%); highest among the groups gnomAD compares: East Asian, 15%; 1,237 homozygotes.

Submissions (16):

PreventionGenetics, part of Exact Sciences
Classification: Benign for DNAH2-related condition. Last evaluated: 2019-08-09. Review status: no assertion criteria provided. Collection method: clinical testing. Allele origin: germline.
Comment: This variant is classified as benign based on ACMG/AMP sequence variant interpretation guidelines (Richards et al. 2015 PMID: 25741868, with internal and published modifications).

Dr. Peter K. Rogan Lab, Western University
No classification provided (evidence only). Condition: Clear cell carcinoma of kidney. Review status: no classification provided. Collection method: in vitro. Allele origin: not applicable. Functional consequence: retained intron. Not counted in ClinVar's aggregate classification.

Dr. Peter K. Rogan Lab, Western University
No classification provided (evidence only). Condition: Clear cell carcinoma of kidney. Review status: no classification provided. Collection method: in vitro. Allele origin: not applicable. Functional consequence: retained intron. Not counted in ClinVar's aggregate classification.

Dr. Peter K. Rogan Lab, Western University
No classification provided (evidence only). Condition: Lung cancer. Review status: no classification provided. Collection method: in vitro. Allele origin: not applicable. Functional consequence: retained intron. Not counted in ClinVar's aggregate classification.

Dr. Peter K. Rogan Lab, Western University
No classification provided (evidence only). Condition: Lung cancer. Review status: no classification provided. Collection method: in vitro. Allele origin: not applicable. Functional consequence: retained intron. Not counted in ClinVar's aggregate classification.

Dr. Peter K. Rogan Lab, Western University
No classification provided (evidence only). Condition: Lung cancer. Review status: no classification provided. Collection method: in vitro. Allele origin: not applicable. Functional consequence: retained intron. Not counted in ClinVar's aggregate classification.

Dr. Peter K. Rogan Lab, Western University
No classification provided (evidence only). Condition: Lung cancer. Review status: no classification provided. Collection method: in vitro. Allele origin: not applicable. Functional consequence: retained intron. Not counted in ClinVar's aggregate classification.

Dr. Peter K. Rogan Lab, Western University
No classification provided (evidence only). Condition: Melanoma. Review status: no classification provided. Collection method: in vitro. Allele origin: not applicable. Functional consequence: retained intron. Not counted in ClinVar's aggregate classification.

Dr. Peter K. Rogan Lab, Western University
No classification provided (evidence only). Condition: Thyroid cancer, nonmedullary, 1. Review status: no classification provided. Collection method: in vitro. Allele origin: not applicable. Functional consequence: retained intron. Not counted in ClinVar's aggregate classification.

Dr. Peter K. Rogan Lab, Western University
No classification provided (evidence only). Condition: Thyroid cancer, nonmedullary, 1. Review status: no classification provided. Collection method: in vitro. Allele origin: not applicable. Functional consequence: retained intron. Not counted in ClinVar's aggregate classification.

Dr. Peter K. Rogan Lab, Western University
No classification provided (evidence only). Condition: Cervical cancer. Review status: no classification provided. Collection method: in vitro. Allele origin: not applicable. Functional consequence: retained intron. Not counted in ClinVar's aggregate classification.

Dr. Peter K. Rogan Lab, Western University
No classification provided (evidence only). Condition: Cervical cancer. Review status: no classification provided. Collection method: in vitro. Allele origin: not applicable. Functional consequence: retained intron. Not counted in ClinVar's aggregate classification.

Dr. Peter K. Rogan Lab, Western University
No classification provided (evidence only). Condition: Thymoma. Review status: no classification provided. Collection method: in vitro. Allele origin: not applicable. Functional consequence: retained intron. Not counted in ClinVar's aggregate classification.

Dr. Peter K. Rogan Lab, Western University
No classification provided (evidence only). Condition: Malignant tumor of esophagus. Review status: no classification provided. Collection method: in vitro. Allele origin: not applicable. Functional consequence: retained intron. Not counted in ClinVar's aggregate classification.

Dr. Peter K. Rogan Lab, Western University
No classification provided (evidence only). Condition: Malignant tumor of esophagus. Review status: no classification provided. Collection method: in vitro. Allele origin: not applicable. Functional consequence: retained intron. Not counted in ClinVar's aggregate classification.

Dr. Peter K. Rogan Lab, Western University
No classification provided (evidence only). Condition: Malignant tumor of esophagus. Review status: no classification provided. Collection method: in vitro. Allele origin: not applicable. Functional consequence: retained intron. Not counted in ClinVar's aggregate classification.

NM_020877.5(DNAH2):c.4499C>T (p.Pro1500Leu)

Gene: DNAH2 (dynein axonemal heavy chain 2; plus strand). Cytogenetic location: 17p13.1.
Variant type: single nucleotide variant.
Coding change: c.4499C>T on transcript NM_020877.5 (MANE Select); coding-DNA position 4499, C replaced by T.
Protein change: p.Pro1500Leu; replaces proline 1500 with leucine.
Molecular consequence: missense variant.
Genome position (GRCh38, 1-based): chr17:7,771,466, C>T. VCF-style: chr17-7771466-C-T. GRCh37 (hg19) VCF-style: chr17-7674784-C-T.
Other names: NC_000017.10:g.7674784C>T; short protein forms P1500L.
Identifiers: ClinVar variation 3055984 (VCV003055984.3), dbSNP rs73232344, ClinGen allele CA8357150.